The following is an entry in ClinVar:

NM_000038.6(APC):c.1420G>T (p.Ala474Ser)

Gene: APC (APC regulator of Wnt signaling pathway; plus strand). Cytogenetic location: 5q22.2.
Variant type: single nucleotide variant.
Coding change: c.1420G>T on transcript NM_000038.6 (MANE Select); coding-DNA position 1420, G replaced by T.
Protein change: p.Ala474Ser; replaces alanine 474 with serine.
Molecular consequence: missense variant.
Genome position (GRCh38, 1-based): chr5:112,827,119, G>T. VCF-style: chr5-112827119-G-T. GRCh37 (hg19) VCF-style: chr5-112162816-G-T.
Other names: c.1420G>T, p.Ala474Ser (NM_001127510.3, NM_001354895.2); c.1366G>T, p.Ala456Ser (NM_001127511.3); c.1474G>T, p.Ala492Ser (NM_001354896.2); c.1450G>T, p.Ala484Ser (NM_001354897.2); c.1345G>T, p.Ala449Ser (NM_001354898.2); c.1336G>T, p.Ala446Ser (NM_001354899.2); c.1297G>T, p.Ala433Ser (NM_001354900.2); c.1243G>T, p.Ala415Ser (NM_001354901.2); and 5 more; short protein forms A314S, A373S, A433S, A474S, A492S, A191S, A383S, A446S.
Identifiers: ClinVar variation 644478 (VCV000644478.10), dbSNP rs1580564307, ClinGen allele CA16024416.
Genomic context (GRCh38, chr5:112,827,119, plus strand): 5'-TGTTTTATTTTAGATGATTGTCTTTTTCCTCTTGCCCTTTTTAAATTAGGGGGACTACAG[G>T]CCATTGCAGAATTATTGCAAGTGGACTGTGAAATGTATGGGCTTACTAATGACCACTACA-3'
Protein context (NP_000029.2, residues 464-484): HAMNELGGLQ[Ala474Ser]IAELLQVDCE

ClinVar aggregate classification (germline): Uncertain significance (1 of 4 stars; one submission).

Conditions:
Familial adenomatous polyposis 1 (FAP1). Also called: FAMILIAL ADENOMATOUS POLYPOSIS 1, ATTENUATED; POLYPOSIS, ADENOMATOUS INTESTINAL. Identifiers: MedGen C2713442, MONDO:0021056, OMIM 175100. Disease mechanism: loss of function.

Submission:

Labcorp Genetics (formerly Invitae), Labcorp
Classification: Uncertain significance for Familial adenomatous polyposis 1. Last evaluated: 2018-11-28. Review status: criteria provided, single submitter. Criteria: Invitae Variant Classification Sherloc (09022015). Collection method: clinical testing. Allele origin: germline.
Comment: This variant is not present in population databases (ExAC no frequency). This variant has not been reported in the literature in individuals with APC-related conditions. Algorithms developed to predict the effect of missense changes on protein structure and function are either unavailable or do not agree on the potential impact of this missense change (SIFT: "Deleterious"; PolyPhen-2: "Benign"; Align-GVGD: "Class C0"). In summary, the available evidence is currently insufficient to determine the role of this variant in disease. Therefore, it has been classified as a Variant of Uncertain Significance. This sequence change replaces alanine with serine at codon 474 of the APC protein (p.Ala474Ser). The alanine residue is highly conserved and there is a moderate physicochemical difference between alanine and serine.